The following is an entry in ClinVar:

NM_001077418.3(TMEM231):c.240C>T (p.Phe80=)

Gene: TMEM231 (transmembrane protein 231; minus strand). Cytogenetic location: 16q23.1.
Variant type: single nucleotide variant.
Coding change: c.240C>T on transcript NM_001077418.3 (MANE Select); coding-DNA position 240, C replaced by T.
Protein change: p.Phe80=; no amino-acid change (phenylalanine 80 retained).
Molecular consequence: synonymous variant. On other transcripts: non-coding transcript variant (1).
Genome position (GRCh38, 1-based): chr16:75,555,873, G>A on the plus strand (C>T on the coding strand, the complement: TMEM231 is on the minus strand). VCF-style: chr16-75555873-G-A. GRCh37 (hg19) VCF-style: chr16-75589771-G-A.
Other names: c.399C>T, p.Phe133= (NM_001077416.2).
Identifiers: ClinVar variation 515386 (VCV000515386.9), dbSNP rs760694007, ClinGen allele CA8176256.

ClinVar aggregate classification (germline): Likely benign. Review status: criteria provided, multiple submitters, no conflicts (2 of 4 stars). 3 submissions from 3 submitters: Likely benign (3). Last evaluated 2025-12-23.

Conditions:
Meckel syndrome, type 11 (MKS11). Identifiers: Orphanet 564, MedGen C3809352, MONDO:0014164, OMIM 615397.
Joubert syndrome 20 (JBTS20). Identifiers: Orphanet 475, MedGen C3554235, MONDO:0013994, OMIM 614970.

Allele frequency attached by ClinVar (database versions not stated): gnomAD 0.00003 and 0.00004; ExAC 0.00005; gnomAD exomes 0.00005; TOPMed 0.00005.

Submissions (3):

Labcorp Genetics (formerly Invitae), Labcorp
Classification: Likely benign for Joubert syndrome 20; Meckel syndrome, type 11. Last evaluated: 2025-12-23. Review status: criteria provided, single submitter. Criteria: Invitae Variant Classification Sherloc (09022015). Collection method: clinical testing. Allele origin: germline.

Blueprint Genetics
Classification: Likely benign. Last evaluated: 2024-05-28. Review status: criteria provided, single submitter. Criteria: ACMG Guidelines, 2015. Collection method: clinical testing. Allele origin: germline.

GeneDx
Classification: Likely benign. Last evaluated: 2018-02-13. Review status: criteria provided, single submitter. Criteria: GeneDx Variant Classification (06012015). Collection method: clinical testing. Allele origin: germline. Affected: yes.
Comment: This variant is considered likely benign or benign based on one or more of the following criteria: it is a conservative change, it occurs at a poorly conserved position in the protein, it is predicted to be benign by multiple in silico algorithms, and/or has population frequency not consistent with disease.